The following is an entry in ClinVar:

NM_182961.4(SYNE1):c.18946G>A (p.Val6316Ile)

Gene: SYNE1 (spectrin repeat containing nuclear envelope protein 1; minus strand). Cytogenetic location: 6q25.2.
Variant type: single nucleotide variant.
Coding change: c.18946G>A on transcript NM_182961.4 (MANE Select); coding-DNA position 18946, G replaced by A.
Protein change: p.Val6316Ile; replaces valine 6316 with isoleucine.
Molecular consequence: missense variant.
Genome position (GRCh38, 1-based): chr6:152,262,058, C>T on the plus strand (G>A on the coding strand, the complement: SYNE1 is on the minus strand). VCF-style: chr6-152262058-C-T. GRCh37 (hg19) VCF-style: chr6-152583193-C-T.
Other names: c.18733G>A, p.Val6245Ile (NM_033071.5); short protein forms V6245I, V6316I.
Identifiers: ClinVar variation 1002208 (VCV001002208.7), dbSNP rs557729565, ClinGen allele CA4054813.

ClinVar aggregate classification (germline): Uncertain significance. Review status: criteria provided, multiple submitters, no conflicts (2 of 4 stars). 2 submissions from 2 submitters: Uncertain significance (2). Last evaluated 2022-06-27.

Conditions:
Autosomal recessive ataxia, Beauce type. Also called: ATAXIA, RECESSIVE, OF BEAUCE; Spinocerebellar ataxia, autosomal recessive 8; SYNE1-Related Autosomal Recessive Cerebellar Ataxia; SYNE1 Deficiency. Identifiers: Orphanet 88644, MedGen C1853116, MONDO:0012549, OMIM 610743.
Emery-Dreifuss muscular dystrophy 4, autosomal dominant (EDMD4). Also called: EMERY-DREIFUSS MUSCULAR DYSTROPHY 4 WITH VARIABLE FEATURES. Identifiers: Orphanet 261, MedGen C2751807, MONDO:0013071, OMIM 612998.
Arthrogryposis multiplex congenita 3, myogenic type. Also called: ARTHROGRYPOSIS MULTIPLEX CONGENITA, MYOGENIC TYPE. Identifiers: MedGen C5193121, MONDO:0032778, OMIM 618484.

Allele frequency attached by ClinVar (database versions not stated): TOPMed 0.00007; 1000 Genomes Project 30x 0.00016; gnomAD exomes below 0.00001 and 0.00001; ExAC 0.00002; gnomAD 0.00006 and 0.00007; 1000 Genomes Project 0.00020.
gnomAD v4.1: 18 of 1,613,534 alleles (0.0011%); highest among the groups gnomAD compares: African/African-American, 0.02%; no homozygotes.

Submissions (2):

Labcorp Genetics (formerly Invitae), Labcorp
Classification: Uncertain significance for Emery-Dreifuss muscular dystrophy 4, autosomal dominant; Autosomal recessive ataxia, Beauce type. Last evaluated: 2022-06-27. Review status: criteria provided, single submitter. Criteria: Invitae Variant Classification Sherloc (09022015). Collection method: clinical testing. Allele origin: germline.
Comment: This sequence change replaces valine, which is neutral and non-polar, with isoleucine, which is neutral and non-polar, at codon 6245 of the SYNE1 protein (p.Val6245Ile). This variant is present in population databases (rs557729565, gnomAD 0.02%). This variant has not been reported in the literature in individuals affected with SYNE1-related conditions. ClinVar contains an entry for this variant (Variation ID: 1002208). Algorithms developed to predict the effect of missense changes on protein structure and function output the following: SIFT: "Tolerated"; PolyPhen-2: "Benign"; Align-GVGD: "Class C0". The isoleucine amino acid residue is found in multiple mammalian species, which suggests that this missense change does not adversely affect protein function. In summary, the available evidence is currently insufficient to determine the role of this variant in disease. Therefore, it has been classified as a Variant of Uncertain Significance.

Fulgent Genetics
Classification: Uncertain significance for Autosomal recessive ataxia, Beauce type; Emery-Dreifuss muscular dystrophy 4, autosomal dominant; Arthrogryposis multiplex congenita 3, myogenic type. Last evaluated: 2021-12-15. Review status: criteria provided, single submitter. Criteria: ACMG Guidelines, 2015. Collection method: clinical testing. Allele origin: unknown.